The following is an entry in ClinVar:

ClinVar aggregate classification (germline): Uncertain significance. Review status: criteria provided, multiple submitters, no conflicts (2 of 4 stars). 2 submissions from 2 submitters: Uncertain significance (2). Last evaluated 2024-08-02.

Conditions:
DICER1-related tumor predisposition. Also called: DICER1 syndrome; DICER1-related pleuropulmonary blastoma cancer predisposition syndrome. Identifiers: Orphanet 284343, MedGen C3839822, MONDO:0100216.
Hereditary cancer-predisposing syndrome. Also called: Tumor predisposition; Hereditary neoplastic syndrome; Neoplastic Syndromes, Hereditary; Hereditary Cancer Syndrome. Identifiers: Orphanet 140162, MedGen C0027672, MeSH D009386, MONDO:0015356.

Submissions (2):

Ambry Genetics
Classification: Uncertain significance for Hereditary cancer-predisposing syndrome. Last evaluated: 2024-08-02. Review status: criteria provided, single submitter. Criteria: Ambry Variant Classification Scheme 2023. Collection method: clinical testing. Allele origin: germline.
Comment: The p.F351S variant (also known as c.1052T>C), located in coding exon 7 of the DICER1 gene, results from a T to C substitution at nucleotide position 1052. The phenylalanine at codon 351 is replaced by serine, an amino acid with highly dissimilar properties. This amino acid position is conserved. In addition, this alteration is predicted to be tolerated by in silico analysis. Based on the available evidence, the clinical significance of this variant remains unclear.

Labcorp Genetics (formerly Invitae), Labcorp
Classification: Uncertain significance for DICER1-related tumor predisposition. Last evaluated: 2024-02-24. Review status: criteria provided, single submitter. Criteria: Invitae Variant Classification Sherloc (09022015). Collection method: clinical testing. Allele origin: germline.
Comment: This sequence change replaces phenylalanine, which is neutral and non-polar, with serine, which is neutral and polar, at codon 351 of the DICER1 protein (p.Phe351Ser). This variant is not present in population databases (gnomAD no frequency). This variant has not been reported in the literature in individuals affected with DICER1-related conditions. ClinVar contains an entry for this variant (Variation ID: 938826). Advanced modeling of protein sequence and biophysical properties (such as structural, functional, and spatial information, amino acid conservation, physicochemical variation, residue mobility, and thermodynamic stability) performed at Invitae indicates that this missense variant is not expected to disrupt DICER1 protein function with a negative predictive value of 80%. In summary, the available evidence is currently insufficient to determine the role of this variant in disease. Therefore, it has been classified as a Variant of Uncertain Significance.

NM_177438.3(DICER1):c.1052T>C (p.Phe351Ser)

Gene: DICER1 (dicer 1, ribonuclease III; minus strand). Cytogenetic location: 14q32.13.
Variant type: single nucleotide variant.
Coding change: c.1052T>C on transcript NM_177438.3 (MANE Select); coding-DNA position 1052, T replaced by C.
Protein change: p.Phe351Ser; replaces phenylalanine 351 with serine.
Molecular consequence: missense variant.
Genome position (GRCh38, 1-based): chr14:95,124,520, A>G on the plus strand (T>C on the coding strand, the complement: DICER1 is on the minus strand). VCF-style: chr14-95124520-A-G. GRCh37 (hg19) VCF-style: chr14-95590857-A-G.
Other names: c.1052T>C, p.Phe351Ser (NM_001195573.1, NM_001271282.3, NM_001291628.2 and 1 more transcripts); short protein forms F351S.
Identifiers: ClinVar variation 938826 (VCV000938826.12), dbSNP rs1893230240, ClinGen allele CA390887066.